The following is an entry in ClinVar:

NM_001013703.4(EIF2AK4):c.1645G>C (p.Glu549Gln)

Gene: EIF2AK4 (eukaryotic translation initiation factor 2 alpha kinase 4; plus strand). Cytogenetic location: 15q15.1.
Variant type: single nucleotide variant.
Coding change: c.1645G>C on transcript NM_001013703.4 (MANE Select); coding-DNA position 1645, G replaced by C.
Protein change: p.Glu549Gln; replaces glutamic acid 549 with glutamine.
Molecular consequence: missense variant.
Genome position (GRCh38, 1-based): chr15:39,972,999, G>C. VCF-style: chr15-39972999-G-C. GRCh37 (hg19) VCF-style: chr15-40265200-G-C.
Other names: short protein forms E549Q.
Identifiers: ClinVar variation 2869929 (VCV002869929.3), dbSNP rs2504564597, ClinGen allele CA391682247.

ClinVar aggregate classification (germline): Uncertain significance (1 of 4 stars; one submission).

gnomAD v4.1: 3 of 1,613,924 alleles (0.00019%); highest among the groups gnomAD compares: Non-Finnish European, 0.00025%; no homozygotes.

Submission:

Labcorp Genetics (formerly Invitae), Labcorp
Classification: Uncertain significance. Last evaluated: 2024-11-19. Review status: criteria provided, single submitter. Criteria: Invitae Variant Classification Sherloc (09022015). Collection method: clinical testing. Allele origin: germline.
Comment: This sequence change replaces glutamic acid, which is acidic and polar, with glutamine, which is neutral and polar, at codon 549 of the EIF2AK4 protein (p.Glu549Gln). This variant is not present in population databases (gnomAD no frequency). This variant has not been reported in the literature in individuals affected with EIF2AK4-related conditions. ClinVar contains an entry for this variant (Variation ID: 2869929). Invitae Evidence Modeling of protein sequence and biophysical properties (such as structural, functional, and spatial information, amino acid conservation, physicochemical variation, residue mobility, and thermodynamic stability) indicates that this missense variant is not expected to disrupt EIF2AK4 protein function with a negative predictive value of 95%. In summary, the available evidence is currently insufficient to determine the role of this variant in disease. Therefore, it has been classified as a Variant of Uncertain Significance.